The following is an entry in ClinVar:

ClinVar aggregate classification (germline): Uncertain significance (1 of 4 stars; one submission).

Conditions:
Familial thoracic aortic aneurysm and aortic dissection (TAAD). Also called: Thoracic aortic aneurysms and dissections. Identifiers: Orphanet 91387, MedGen C4707243, MONDO:0019625.

gnomAD v4.1: 5 of 1,613,948 alleles (0.00031%); highest among the groups gnomAD compares: Non-Finnish European, 0.00042%; no homozygotes.

Submission:

Ambry Genetics
Classification: Uncertain significance for Familial thoracic aortic aneurysm and aortic dissection. Last evaluated: 2024-10-16. Review status: criteria provided, single submitter. Criteria: Ambry Variant Classification Scheme 2023. Collection method: clinical testing. Allele origin: germline.
Comment: The p.E333Q variant (also known as c.997G>C), located in coding exon 8 of the FBN2 gene, results from a G to C substitution at nucleotide position 997. The glutamic acid at codon 333 is replaced by glutamine, an amino acid with highly similar properties. This amino acid position is well conserved in available vertebrate species. In addition, the in silico prediction for this alteration is inconclusive. Based on the available evidence, the clinical significance of this variant remains unclear.

NM_001999.4(FBN2):c.997G>C (p.Glu333Gln)

Gene: FBN2 (fibrillin 2; minus strand). Cytogenetic location: 5q23.3.
Variant type: single nucleotide variant.
Coding change: c.997G>C on transcript NM_001999.4 (MANE Select); coding-DNA position 997, G replaced by C.
Protein change: p.Glu333Gln; replaces glutamic acid 333 with glutamine.
Molecular consequence: missense variant.
Genome position (GRCh38, 1-based): chr5:128,408,755, C>G on the plus strand (G>C on the coding strand, the complement: FBN2 is on the minus strand). VCF-style: chr5-128408755-C-G. GRCh37 (hg19) VCF-style: chr5-127744448-C-G.
Other names: short protein forms E333Q.
Identifiers: ClinVar variation 3513619 (VCV003513619.1).